The following is an entry in ClinVar:

NM_013432.5(TONSL):c.490del (p.Leu164fs)

Gene: TONSL (tonsoku like, DNA repair protein; minus strand). Cytogenetic location: 8q24.3.
Variant type: Deletion.
Coding change: c.490del on transcript NM_013432.5 (MANE Select); coding-DNA position 490, one base deleted (C; older notation c.490delC).
Protein change: p.Leu164fs; shifts the reading frame from leucine 164.
Molecular consequence: frameshift variant.
Genome position (GRCh38, 1-based): chr8:144,442,765, G deleted on the plus strand (C on the coding strand, the reverse complement: TONSL is on the minus strand); the first of 2 consecutive G bases (chr8:144,442,765-144,442,766); deleting either gives the same sequence. VCF-style (leftmost placement, unchanged base first): chr8-144442764-AG-A. GRCh37 (hg19) VCF-style: chr8-145668147-AG-A.
Other names: short protein forms L164fs.
Identifiers: ClinVar variation 4709662 (VCV004709662.1).

ClinVar aggregate classification (germline): Pathogenic (1 of 4 stars; one submission).

Submission:

Labcorp Genetics (formerly Invitae), Labcorp
Classification: Pathogenic. Last evaluated: 2025-12-26. Review status: criteria provided, single submitter. Criteria: Invitae Variant Classification Sherloc (09022015). Collection method: clinical testing. Allele origin: germline.
Comment: This sequence change creates a premature translational stop signal (p.Leu164Serfs*72) in the TONSL gene. It is expected to result in an absent or disrupted protein product. Loss-of-function variants in TONSL are known to be pathogenic (PMID: 30773277). This variant is present in population databases (no rsID available, gnomAD 0.003%). This variant has not been reported in the literature in individuals affected with TONSL-related conditions. Algorithms developed to predict the effect of sequence changes on RNA splicing suggest that this variant may disrupt the consensus splice site. For these reasons, this variant has been classified as Pathogenic.

Literature cited by the submitters: PubMed 30773277.